The following is an entry in ClinVar:

NM_003322.6(TULP1):c.190+6C>T

Gene: TULP1 (TUB like protein 1; minus strand). Cytogenetic location: 6p21.31.
Variant type: single nucleotide variant.
Coding change: c.190+6C>T on transcript NM_003322.6 (MANE Select); 6 bases into the intron after coding-DNA position 190, C replaced by T.
Molecular consequence: intron variant.
Genome position (GRCh38, 1-based): chr6:35,512,174, G>A on the plus strand (C>T on the coding strand, the complement: TULP1 is on the minus strand). VCF-style: chr6-35512174-G-A. GRCh37 (hg19) VCF-style: chr6-35479951-G-A.
Other names: c.190+6C>T (NM_003322.5, NM_001289395.2).
Identifiers: ClinVar variation 1008652 (VCV001008652.10), dbSNP rs529180227, ClinGen allele CA3773003.

ClinVar aggregate classification (germline): Conflicting classifications of pathogenicity. Review status: criteria provided, conflicting classifications (1 of 4 stars). 6 submissions from 6 submitters: Uncertain significance (2); Likely benign (2). 2 of the submissions do not count toward it. Last evaluated 2025-11-03.

Conditions:
TULP1-related disorder. Also called: TULP1-related condition; TULP1-related disorders.

Allele frequency attached by ClinVar (database versions not stated): ExAC below 0.00001; gnomAD exomes 0.00006 and 0.00012; TOPMed 0.00019; gnomAD 0.00022 and 0.00024; 1000 Genomes Project 30x 0.00031; 1000 Genomes Project 0.00040.
gnomAD v4.1: 110 of 1,335,772 alleles (0.0082%); highest among the groups gnomAD compares: African/African-American, 0.058%; no homozygotes.

Submissions (6):

PreventionGenetics, part of Exact Sciences
Classification: Likely benign for TULP1-related condition. Last evaluated: 2025-11-03. Review status: criteria provided, single submitter. Criteria: ACMG Guidelines, 2015. Collection method: clinical testing. Allele origin: germline.
Comment: This variant is classified as likely benign based on ACMG/AMP sequence variant interpretation guidelines (Richards et al. 2015 PMID: 25741868, with internal and published modifications).

Blueprint Genetics
Classification: Likely benign. Last evaluated: 2024-11-01. Review status: criteria provided, single submitter. Criteria: ACMG Guidelines, 2015. Collection method: clinical testing. Allele origin: germline.

Women's Health and Genetics/Laboratory Corporation of America, LabCorp
Classification: Uncertain significance. Last evaluated: 2023-12-12. Review status: criteria provided, single submitter. Criteria: LabCorp Variant Classification Summary - May 2015. Collection method: clinical testing. Allele origin: germline.

Labcorp Genetics (formerly Invitae), Labcorp
Classification: Uncertain significance. Last evaluated: 2022-10-24. Review status: criteria provided, single submitter. Criteria: Invitae Variant Classification Sherloc (09022015). Collection method: clinical testing. Allele origin: germline.
Comment: This sequence change falls in intron 3 of the TULP1 gene. It does not directly change the encoded amino acid sequence of the TULP1 protein. It affects a nucleotide within the consensus splice site. The frequency data for this variant in the population databases is considered unreliable, as metrics indicate poor data quality at this position in the gnomAD database. This variant has not been reported in the literature in individuals affected with TULP1-related conditions. ClinVar contains an entry for this variant (Variation ID: 1008652). Variants that disrupt the consensus splice site are a relatively common cause of aberrant splicing (PMID: 17576681, 9536098). Algorithms developed to predict the effect of sequence changes on RNA splicing suggest that this variant is not likely to affect RNA splicing. In summary, the available evidence is currently insufficient to determine the role of this variant in disease. Therefore, it has been classified as a Variant of Uncertain Significance.

Clinical Genetics DNA and cytogenetics Diagnostics Lab, Erasmus MC, Erasmus Medical Center
Classification: Likely benign. Review status: no assertion criteria provided. Collection method: clinical testing. Allele origin: germline. Affected: yes. Study: VKGL Data-share Consensus. Not counted in ClinVar's aggregate classification.

Clinical Genetics, Academic Medical Center
Classification: Likely benign. Review status: no assertion criteria provided. Collection method: clinical testing. Allele origin: germline. Affected: yes. Study: VKGL Data-share Consensus. Not counted in ClinVar's aggregate classification.

Literature cited by the submitters: PubMed 17576681 (cited by Labcorp Genetics (formerly Invitae), Labcorp); PubMed 9536098 (cited by Labcorp Genetics (formerly Invitae), Labcorp).